The following is an entry in ClinVar:

NM_001372.4(DNAH9):c.615C>G (p.Val205=)

Gene: DNAH9 (dynein axonemal heavy chain 9; plus strand). Cytogenetic location: 17p12.
Variant type: single nucleotide variant.
Coding change: c.615C>G on transcript NM_001372.4 (MANE Select); coding-DNA position 615, C replaced by G.
Protein change: p.Val205=; no amino-acid change (valine 205 retained).
Molecular consequence: synonymous variant.
Genome position (GRCh38, 1-based): chr17:11,610,396, C>G. VCF-style: chr17-11610396-C-G. GRCh37 (hg19) VCF-style: chr17-11513713-C-G.
Other names: c.615C>G (NM_001372.3).
Identifiers: ClinVar variation 1509217 (VCV001509217.5), dbSNP rs369344808, ClinGen allele CA8394605.

ClinVar aggregate classification (germline): Conflicting classifications of pathogenicity. Review status: criteria provided, conflicting classifications (1 of 4 stars). 2 submissions from 2 submitters: Uncertain significance (1); Likely benign (1). Last evaluated 2024-01-18.

Conditions:
Inborn genetic diseases. Identifiers: MedGen C0950123, MeSH D030342.

Allele frequency attached by ClinVar (database versions not stated): ExAC 0.00002; gnomAD exomes 0.00003; gnomAD 0.00004 and 0.00005; TOPMed 0.00006.
gnomAD v4.1: 71 of 1,610,766 alleles (0.0044%); highest among the groups gnomAD compares: East Asian, 0.016%; 1 homozygote.

Submissions (2):

Labcorp Genetics (formerly Invitae), Labcorp
Classification: Uncertain significance. Last evaluated: 2024-01-18. Review status: criteria provided, single submitter. Criteria: Invitae Variant Classification Sherloc (09022015). Collection method: clinical testing. Allele origin: germline.
Comment: This sequence change affects codon 205 of the DNAH9 mRNA. It is a 'silent' change, meaning that it does not change the encoded amino acid sequence of the DNAH9 protein. It affects a nucleotide within the consensus splice site. This variant is present in population databases (rs369344808, gnomAD 0.02%). This variant has not been reported in the literature in individuals affected with DNAH9-related conditions. ClinVar contains an entry for this variant (Variation ID: 1509217). Algorithms developed to predict the effect of sequence changes on RNA splicing suggest that this variant is not likely to affect RNA splicing. In summary, the available evidence is currently insufficient to determine the role of this variant in disease. Therefore, it has been classified as a Variant of Uncertain Significance.

Ambry Genetics
Classification: Likely benign for Inborn genetic diseases. Last evaluated: 2023-06-29. Review status: criteria provided, single submitter. Criteria: Ambry Variant Classification Scheme 2023. Collection method: clinical testing. Allele origin: germline.